The following is an entry in ClinVar:

NM_000548.5(TSC2):c.2868C>T (p.Gly956=)

Gene: TSC2 (TSC complex subunit 2; plus strand). Cytogenetic location: 16p13.3.
Variant type: single nucleotide variant.
Coding change: c.2868C>T on transcript NM_000548.5 (MANE Select); coding-DNA position 2868, C replaced by T.
Protein change: p.Gly956=; no amino-acid change (glycine 956 retained).
Molecular consequence: synonymous variant. On other transcripts: intron variant (9).
Genome position (GRCh38, 1-based): chr16:2,077,628, C>T. VCF-style: chr16-2077628-C-T. GRCh37 (hg19) VCF-style: chr16-2127629-C-T.
Other names: c.2868C>T, p.Gly956= (NM_001114382.3); c.2837+1043C>T (NM_021055.3, NM_001370405.1, NM_001363528.2 and 2 more transcripts); c.2726+1043C>T (NM_001318827.2); c.2237+1043C>T (NM_001318831.2); c.2690+1043C>T (NM_001318829.2); c.2870+1043C>T (NM_001318832.2).
Identifiers: ClinVar variation 567230 (VCV000567230.15), dbSNP rs141573736, ClinGen allele CA042496.

ClinVar aggregate classification (germline): Likely benign. Review status: criteria provided, multiple submitters, no conflicts (2 of 4 stars). 3 submissions from 3 submitters: Likely benign (3). Last evaluated 2025-11-10.

Conditions:
Tuberous sclerosis syndrome (TSC). Also called: Tuberous Sclerosis Complex; Tuberous sclerosis. Identifiers: Orphanet 805, MedGen C0041341, MONDO:0001734.
Tuberous sclerosis 2 (TSC2). Identifiers: Orphanet 805, MedGen C1860707, MONDO:0013199, OMIM 613254.
Hereditary cancer-predisposing syndrome. Also called: Neoplastic Syndromes, Hereditary; Tumor predisposition; Hereditary Cancer Syndrome; Hereditary neoplastic syndrome. Identifiers: Orphanet 140162, MedGen C0027672, MeSH D009386, MONDO:0015356.

Allele frequency attached by ClinVar (database versions not stated): TOPMed below 0.00001; ExAC 0.00001; ESP Exome Variant Server 0.00008.
gnomAD v4.1: 1 of 1,613,178 alleles (0.000062%); highest among the groups gnomAD compares: African/African-American, 0.0013%; no homozygotes.

Submissions (3):

Labcorp Genetics (formerly Invitae), Labcorp
Classification: Likely benign for Tuberous sclerosis 2. Last evaluated: 2025-11-10. Review status: criteria provided, single submitter. Criteria: Invitae Variant Classification Sherloc (09022015). Collection method: clinical testing. Allele origin: germline.

All of Us Research Program, National Institutes of Health
Classification: Likely benign for Tuberous sclerosis syndrome. Last evaluated: 2023-10-23. Review status: criteria provided, single submitter. Criteria: ACMG Guidelines, 2015. Collection method: clinical testing. Allele origin: germline. Inheritance: Autosomal dominant inheritance. Observed: 2 variant alleles, 2 heterozygotes.
Comment: This study involves interpretation of variants in research participants for the purpose of population health screening. Participant phenotype was not available at the time of variant classification. Additional details can be found in publication PMID: 35346344, PMCID: PMC8962531

Ambry Genetics
Classification: Likely benign for Hereditary cancer-predisposing syndrome. Last evaluated: 2019-08-09. Review status: criteria provided, single submitter. Criteria: Ambry Variant Classification Scheme 2023. Collection method: clinical testing. Allele origin: germline.